The following is an entry in ClinVar:

NM_006231.4(POLE):c.6166G>A (p.Ala2056Thr)

Gene: POLE (DNA polymerase epsilon, catalytic subunit; minus strand). Cytogenetic location: 12q24.33.
Variant type: single nucleotide variant.
Coding change: c.6166G>A on transcript NM_006231.4 (MANE Select); coding-DNA position 6166, G replaced by A.
Protein change: p.Ala2056Thr; replaces alanine 2056 with threonine.
Molecular consequence: missense variant.
Genome position (GRCh38, 1-based): chr12:132,632,479, C>T on the plus strand (G>A on the coding strand, the complement: POLE is on the minus strand). VCF-style: chr12-132632479-C-T. GRCh37 (hg19) VCF-style: chr12-133209065-C-T.
Other names: c.6166G>A (NM_006231.2); short protein forms A2056T.
Identifiers: ClinVar variation 573108 (VCV000573108.20), dbSNP rs58916399, ClinGen allele CA6892254.

ClinVar aggregate classification (germline): Conflicting classifications of pathogenicity. Review status: criteria provided, conflicting classifications (1 of 4 stars). 10 submissions from 10 submitters: Uncertain significance (9); Likely benign (1). Last evaluated 2026-01-05.

Conditions:
Intrauterine growth retardation, metaphyseal dysplasia, adrenal hypoplasia congenita, genital anomalies, and immunodeficiency. Also called: IMAGEI SYNDROME. Identifiers: MedGen C5193036, MONDO:0032684, OMIM 618336.
Colorectal cancer, susceptibility to, 12 (CRCS12). Also called: COLORECTAL CANCER, SUSCEPTIBILITY TO, ON CHROMOSOME 12q24. Identifiers: Orphanet 220460, MedGen C3554460, MONDO:0014038, OMIM 615083.
Facial dysmorphism-immunodeficiency-livedo-short stature syndrome. Also called: Facial dysmorphism, immunodeficiency, livedo, and short stature; FILS syndrome. Identifiers: Orphanet 352712, MedGen C3554576, MONDO:0014058, OMIM 615139.
Hereditary cancer-predisposing syndrome. Also called: Neoplastic Syndromes, Hereditary; Hereditary Cancer Syndrome; Tumor predisposition; Hereditary neoplastic syndrome. Identifiers: Orphanet 140162, MedGen C0027672, MeSH D009386, MONDO:0015356.

Allele frequency attached by ClinVar (database versions not stated): gnomAD 0.00001 and 0.00002; gnomAD exomes 0.00002 and 0.00003; TOPMed 0.00002; ExAC 0.00004; 1000 Genomes Project 0.00020; 1000 Genomes Project 30x 0.00031.
gnomAD v4.1: 36 of 1,613,986 alleles (0.0022%); highest among the groups gnomAD compares: Middle Eastern, 0.017%; no homozygotes.

Submissions (10):

Labcorp Genetics (formerly Invitae), Labcorp
Classification: Uncertain significance. Last evaluated: 2026-01-05. Review status: criteria provided, single submitter. Criteria: Invitae Variant Classification Sherloc (09022015). Collection method: clinical testing. Allele origin: germline.
Comment: This sequence change replaces alanine, which is neutral and non-polar, with threonine, which is neutral and polar, at codon 2056 of the POLE protein (p.Ala2056Thr). This variant is present in population databases (rs58916399, gnomAD 0.006%). This variant has not been reported in the literature in individuals affected with POLE-related conditions. ClinVar contains an entry for this variant (Variation ID: 573108). Invitae Evidence Modeling of protein sequence and biophysical properties (such as structural, functional, and spatial information, amino acid conservation, physicochemical variation, residue mobility, and thermodynamic stability) indicates that this missense variant is not expected to disrupt POLE protein function with a negative predictive value of 80%. In summary, the available evidence is currently insufficient to determine the role of this variant in disease. Therefore, it has been classified as a Variant of Uncertain Significance.

Center for Genomic Medicine, Rigshospitalet, Copenhagen University Hospital
Classification: Uncertain significance. Last evaluated: 2025-12-29. Review status: criteria provided, single submitter. Criteria: ACMG Guidelines, 2015. Collection method: clinical testing. Allele origin: germline.

Ambry Genetics
Classification: Likely benign for Hereditary cancer-predisposing syndrome. Last evaluated: 2024-12-16. Review status: criteria provided, single submitter. Criteria: Ambry Variant Classification Scheme 2023. Collection method: clinical testing. Allele origin: germline.

KCCC/NGS Laboratory, Kuwait Cancer Control Center
Classification: Uncertain significance for Colorectal cancer, susceptibility to, 12. Last evaluated: 2024-11-03. Review status: criteria provided, single submitter. Criteria: ACMG Guidelines, 2015. Collection method: clinical testing. Allele origin: germline. Inheritance: Autosomal dominant inheritance. Affected: yes. Observed: 1 heterozygote.
Comment: This sequence change replaces alanine, which is neutral and non-polar, with threonine, which is neutral and polar, at codon 2056 of the POLE protein (p.Ala2056Thr). This variant is present in population databases (rs58916399, gnomAD 0.006%). This variant has not been reported in the literature in individuals affected with POLE-related conditions.This variant is associated with the following publications: (PMID: 25275298, 23263490, 28427513) . ClinVar contains an entry for this variant (Variation ID: 573108). In silico analysis supports that this missense variant does not alter protein structure/function. In summary, the available evidence is currently insufficient to determine the role of this variant in disease. Therefore, it has been classified as a Variant of Uncertain Significance. Pathogenic/likely pathogenic mutations in the POLE gene cause susceptibilty to colorectal cancer (OMIM# 615083).

GeneDx
Classification: Uncertain significance. Last evaluated: 2023-06-14. Review status: criteria provided, single submitter. Criteria: GeneDx Variant Classification Process June 2021. Collection method: clinical testing. Allele origin: germline. Affected: yes.
Comment: In silico analysis supports that this missense variant does not alter protein structure/function; Has not been previously published as pathogenic or benign to our knowledge; This variant is associated with the following publications: (PMID: 25275298, 23263490, 28427513)

Laboratorio de Genetica e Diagnostico Molecular, Hospital Israelita Albert Einstein
Classification: Uncertain significance for Colorectal cancer, susceptibility to, 12. Last evaluated: 2022-08-05. Review status: criteria provided, single submitter. Criteria: ACMG Guidelines, 2015. Collection method: clinical testing. Allele origin: germline. Affected: yes. Observed: 1 variant allele.
Comment: ACMG classification criteria: BP4 supporting

Sema4
Classification: Uncertain significance for Hereditary cancer-predisposing syndrome. Last evaluated: 2021-07-30. Review status: criteria provided, single submitter. Criteria: Sema4 Curation Guidelines. Collection method: curation. Allele origin: germline.
Comment: The POLE c.6166G>A (p.A2056T) variant has not been reported in individuals with POLE-related disease to our knowledge. This variant was observed in 2/34592 chromosomes in the Latino population according to the Genome Aggregation Database (PMID: 32461654) and has been reported in ClinVar (Variation ID: 573108). Computational analyses and evolutionary conservation data do not provide strong support for or against an impact to the protein, however these predictions have not been confirmed by published functional studies. The variant is located outside of the endonuclease domain and unlikely to be associated with hereditary cancer. Based on the current evidence available, this variant is interpreted as a variant of uncertain significance.

Department of Pathology and Laboratory Medicine, Sinai Health System
Classification: Uncertain significance for Colorectal cancer, susceptibility to, 12; Facial dysmorphism-immunodeficiency-livedo-short stature syndrome; Intrauterine growth retardation, metaphyseal dysplasia, adrenal hypoplasia congenita, genital anomalies, and immunodeficiency. Last evaluated: 2019-12-04. Review status: criteria provided, single submitter. Criteria: ACMG Guidelines, 2015. Collection method: clinical testing. Allele origin: germline. Affected: no.

Mendelics
Classification: Uncertain significance for Colorectal cancer, susceptibility to, 12. Last evaluated: 2019-05-28. Review status: criteria provided, single submitter. Criteria: Mendelics Assertion Criteria 2017. Collection method: clinical testing. Allele origin: unknown.

Quest Diagnostics Nichols Institute San Juan Capistrano
Classification: Uncertain significance. Last evaluated: 2018-04-11. Review status: criteria provided, single submitter. Criteria: Quest Diagnostics criteria. Collection method: clinical testing. Allele origin: germline.

Literature cited by the submitters: PubMed 23263490 (cited by Department of Pathology and Laboratory Medicine, Sinai Health System).